The following is an entry in ClinVar:

NM_000245.4(MET):c.674G>T (p.Gly225Val)

Gene: MET (MET proto-oncogene, receptor tyrosine kinase; plus strand). Cytogenetic location: 7q31.2.
Variant type: single nucleotide variant.
Coding change: c.674G>T on transcript NM_000245.4 (MANE Select); coding-DNA position 674, G replaced by T.
Protein change: p.Gly225Val; replaces glycine 225 with valine.
Molecular consequence: missense variant. On other transcripts: intron variant (1).
Genome position (GRCh38, 1-based): chr7:116,699,758, G>T. VCF-style: chr7-116699758-G-T. GRCh37 (hg19) VCF-style: chr7-116339812-G-T.
Other names: c.674G>T, p.Gly225Val (NM_001127500.3, NM_001324401.3); c.-91+27181G>T (NM_001324402.2); short protein forms G225V.
Identifiers: ClinVar variation 1039362 (VCV001039362.7), dbSNP rs1791495307, ClinGen allele CA368969595.

ClinVar aggregate classification (germline): Uncertain significance (1 of 4 stars; one submission).

Conditions:
Renal cell carcinoma. Identifiers: Orphanet 217071, MedGen C0007134, MeSH D002292, MONDO:0005086, HP:0005584.

Submission:

Labcorp Genetics (formerly Invitae), Labcorp
Classification: Uncertain significance for Renal cell carcinoma. Last evaluated: 2021-09-09. Review status: criteria provided, single submitter. Criteria: Invitae Variant Classification Sherloc (09022015). Collection method: clinical testing. Allele origin: germline.
Comment: In summary, the available evidence is currently insufficient to determine the role of this variant in disease. Therefore, it has been classified as a Variant of Uncertain Significance. This sequence change replaces glycine with valine at codon 225 of the MET protein (p.Gly225Val). The glycine residue is highly conserved and there is a moderate physicochemical difference between glycine and valine. This variant is not present in population databases (ExAC no frequency). This variant has not been reported in the literature in individuals affected with MET-related conditions. Algorithms developed to predict the effect of missense changes on protein structure and function are either unavailable or do not agree on the potential impact of this missense change (SIFT: "Deleterious"; PolyPhen-2: "Probably Damaging"; Align-GVGD: "Class C0").